The following is an entry in ClinVar:

NM_000091.5(COL4A3):c.778G>T (p.Glu260Ter)

Genes: MFF-DT (MFF divergent transcript; minus strand), COL4A3 (collagen type IV alpha 3 chain; plus strand). Cytogenetic location: 2q36.3.
Variant type: single nucleotide variant.
Coding change: c.778G>T on transcript NM_000091.5 (MANE Select); coding-DNA position 778, G replaced by T.
Protein change: p.Glu260Ter; replaces glutamic acid 260 with a stop codon.
Molecular consequence: nonsense.
Genome position (GRCh38, 1-based): chr2:227,254,124, G>T. VCF-style: chr2-227254124-G-T. GRCh37 (hg19) VCF-style: chr2-228118840-G-T.
Other names: short protein forms E260*.
Identifiers: ClinVar variation 1677088 (VCV001677088.2), dbSNP rs2125934541, ClinGen allele CA350865869.

ClinVar aggregate classification (germline): Pathogenic/Likely pathogenic. Review status: criteria provided, multiple submitters, no conflicts (2 of 4 stars). 2 submissions from 2 submitters: Pathogenic (1); Likely pathogenic (1). Last evaluated 2025-09-16.

Conditions:
Alport syndrome. Also called: Hemorrhagic familial nephritis; Hemorrhagic hereditary nephritis; Congenital hereditary hematuria. Identifiers: Orphanet 63, MedGen C1567741, MONDO:0018965.
Autosomal recessive Alport syndrome (ATS2). Also called: COL4A3-Related Nephropathy; COL4A4 Alport Syndrome and Thin Basement Membrane Nephropathy; Alport syndrome type 2; ALPORT SYNDROME 2, AUTOSOMAL RECESSIVE. Identifiers: Orphanet 63, Orphanet 88919, MedGen C4746745, MONDO:0008762, OMIM 203780.

Allele frequency attached by ClinVar (database versions not stated): gnomAD exomes below 0.00001.
gnomAD v4.1: 6 of 1,613,900 alleles (0.00037%); highest among the groups gnomAD compares: East Asian, 0.0022%; no homozygotes.

Submissions (2):

Natera, Inc.
Classification: Pathogenic for Alport syndrome. Last evaluated: 2025-09-16. Review status: criteria provided, single submitter. Criteria: Natera Variant Classification Schema (03/2026). Collection method: clinical testing. Allele origin: germline.
Comment: The c.778G>T variant in COL4A3 is a nonsense variant predicted to introduce a stop codon at amino acid 260. This variant is expected to result in nonsense mediated decay, truncation, or a dysfunctional protein product. This variant is rare in the general population with a frequency below the threshold expected for the associated phenotype(s). This variant has been observed in one or more individuals affected with the associated recessive disease, as either homozygous or compound heterozygous with a second variant (PMID: 24033287). Given the available evidence, this variant is classified as Pathogenic.

Women's Health and Genetics/Laboratory Corporation of America, LabCorp
Classification: Likely pathogenic for Autosomal recessive Alport syndrome. Last evaluated: 2022-03-02. Review status: criteria provided, single submitter. Criteria: LabCorp Variant Classification Summary - May 2015. Collection method: clinical testing. Allele origin: germline.
Comment: Variant summary: COL4A3 c.778G>T (p.Glu260X) results in a premature termination codon, predicted to cause a truncation of the encoded protein or absence of the protein due to nonsense mediated decay, which are commonly known mechanisms for disease. Truncations downstream of this position have been classified as pathogenic by our laboratory. The variant was absent in 249378 control chromosomes (gnomAD). c.778G>T has been reported in the literature in one compound heterozygous individual affected with Alport Syndrome, Autosomal Recessive (Fallerini_2014). These data do not allow any conclusion about variant significance. To our knowledge, no experimental evidence demonstrating an impact on protein function has been reported. No clinical diagnostic laboratories have submitted clinical-significance assessments for this variant to ClinVar after 2014. Based on the evidence outlined above, the variant was classified as likely pathogenic.

Literature cited by the submitters: PubMed 24033287 (cited by Natera, Inc. and Women's Health and Genetics/Laboratory Corporation of America, LabCorp).